The following is an entry in ClinVar:

NM_015087.5(SPART):c.1130A>T (p.Lys377Met)

Gene: SPART (spartin; minus strand). Cytogenetic location: 13q13.3.
Variant type: single nucleotide variant.
Coding change: c.1130A>T on transcript NM_015087.5 (MANE Select); coding-DNA position 1130, A replaced by T.
Protein change: p.Lys377Met; replaces lysine 377 with methionine.
Molecular consequence: missense variant.
Genome position (GRCh38, 1-based): chr13:36,329,396, T>A on the plus strand (A>T on the coding strand, the complement: SPART is on the minus strand). VCF-style: chr13-36329396-T-A. GRCh37 (hg19) VCF-style: chr13-36903533-T-A.
Other names: c.1130A>T, p.Lys377Met (NM_001142294.2, NM_001142295.2, NM_001142296.2); short protein forms K377M.
Identifiers: ClinVar variation 461200 (VCV000461200.22), dbSNP rs148672324, ClinGen allele CA6949485.

ClinVar aggregate classification (germline): Conflicting classifications of pathogenicity. Review status: criteria provided, conflicting classifications (1 of 4 stars). 4 submissions from 4 submitters: Uncertain significance (1); Benign (1); Likely benign (2). Last evaluated 2026-01-28.

Conditions:
Inborn genetic diseases. Identifiers: MedGen C0950123, MeSH D030342.
Troyer syndrome (SPG20). Identifiers: Orphanet 101000, MedGen C0393559, MONDO:0010156, OMIM 275900.

Allele frequency attached by ClinVar (database versions not stated): gnomAD exomes 0.00050; ExAC 0.00064; gnomAD 0.00175 and 0.00191; TOPMed 0.00193; ESP Exome Variant Server 0.00223; 1000 Genomes Project 0.00260; 1000 Genomes Project 30x 0.00297.
gnomAD v4.1: 514 of 1,614,198 alleles (0.032%); highest among the groups gnomAD compares: African/African-American, 0.64%; 2 homozygotes.

Submissions (4):

Labcorp Genetics (formerly Invitae), Labcorp
Classification: Likely benign. Last evaluated: 2026-01-28. Review status: criteria provided, single submitter. Criteria: Invitae Variant Classification Sherloc (09022015). Collection method: clinical testing. Allele origin: germline.

Ambry Genetics
Classification: Likely benign for Inborn genetic diseases. Last evaluated: 2024-11-25. Review status: criteria provided, single submitter. Criteria: Ambry Variant Classification Scheme 2023. Collection method: clinical testing. Allele origin: germline.

Mayo Clinic Laboratories, Mayo Clinic
Classification: Uncertain significance. Last evaluated: 2024-10-30. Review status: criteria provided, single submitter. Criteria: ACMG Guidelines, 2015. Collection method: clinical testing. Allele origin: germline. Observed: 2 variant alleles.
Comment: BS1

Illumina Laboratory Services, Illumina
Classification: Benign for Troyer syndrome. Last evaluated: 2017-04-28. Review status: criteria provided, single submitter. Criteria: ICSL Variant Classification Criteria 13 December 2019. Collection method: clinical testing. Allele origin: germline.
Comment: This variant was observed as part of a predisposition screen in an ostensibly healthy population. A literature search was performed for the gene, cDNA change, and amino acid change (where applicable). No publications were found based on this search. Allele frequency data from public databases was too high to be consistent with this variant causing disease. Therefore, this variant is classified as benign.